The following is an entry in ClinVar:

NM_000368.5(TSC1):c.367G>A (p.Asp123Asn)

Gene: TSC1 (TSC complex subunit 1; minus strand). Cytogenetic location: 9q34.13.
Variant type: single nucleotide variant.
Coding change: c.367G>A on transcript NM_000368.5 (MANE Select); coding-DNA position 367, G replaced by A.
Protein change: p.Asp123Asn; replaces aspartic acid 123 with asparagine.
Molecular consequence: missense variant. On other transcripts: non-coding transcript variant (5), 5 prime UTR variant (5).
Genome position (GRCh38, 1-based): chr9:132,923,489, C>T on the plus strand (G>A on the coding strand, the complement: TSC1 is on the minus strand). VCF-style: chr9-132923489-C-T. GRCh37 (hg19) VCF-style: chr9-135798876-C-T.
Other names: c.367G>A, p.Asp123Asn (NM_001162426.2, NM_001406592.1, NM_001406593.1 and 16 more transcripts); c.214G>A, p.Asp72Asn (NM_001162427.2, NM_001406610.1, NM_001406611.1 and 2 more transcripts); c.4G>A, p.Asp2Asn (NM_001362177.2, NM_001406614.1, NM_001406615.1 and 10 more transcripts); c.-511G>A (NM_001406626.1, NM_001406627.1, NM_001406628.1); c.-653G>A (NM_001406629.1); c.-727G>A (NM_001406630.1); short protein forms D72N, D123N, D2N.
Identifiers: ClinVar variation 2496826 (VCV002496826.2), dbSNP rs2539043571, ClinGen allele CA375373759.
Genomic context (GRCh38, chr9:132,923,489, plus strand): 5'-TCATTGGTAGCATGGTTATCAACACCAAGACGCCTGTTGTGAGGACAACGACGTCAGTGT[C>T]CATCTGCAGGAGAAAAGGTCAAACAGGAAACGTCTGTCAGGCACTGGCACCAGGATCGGC-3'
Protein context (NP_000359.1, residues 113-133): LPSLLKCLKM[Asp123Asn]TDVVVLTTGV

ClinVar aggregate classification (germline): Uncertain significance (1 of 4 stars; one submission).

Conditions:
Hereditary cancer-predisposing syndrome. Also called: Neoplastic Syndromes, Hereditary; Hereditary neoplastic syndrome; Tumor predisposition; Hereditary Cancer Syndrome. Identifiers: Orphanet 140162, MedGen C0027672, MeSH D009386, MONDO:0015356.

Submission:

Ambry Genetics
Classification: Uncertain significance for Hereditary cancer-predisposing syndrome. Last evaluated: 2022-12-12. Review status: criteria provided, single submitter. Criteria: Ambry Variant Classification Scheme 2023. Collection method: clinical testing. Allele origin: germline.
Comment: The p.D123N variant (also known as c.367G>A), located in coding exon 4 of the TSC1 gene, results from a G to A substitution at nucleotide position 367. The aspartic acid at codon 123 is replaced by asparagine, an amino acid with highly similar properties. This amino acid position is highly conserved in available vertebrate species. In addition, the in silico prediction for this alteration is inconclusive. Since supporting evidence is limited at this time, the clinical significance of this alteration remains unclear.